The following is an entry in ClinVar:

ClinVar aggregate classification (germline): Conflicting classifications of pathogenicity. Review status: criteria provided, conflicting classifications (1 of 4 stars). 5 submissions from 5 submitters: Uncertain significance (1); Likely benign (4). Last evaluated 2025-12-30.

Conditions:
Kabuki syndrome. Also called: Kabuki make-up syndrome; NIIKAWA-KUROKI SYNDROME. Identifiers: Orphanet 2322, MedGen C0796004, MONDO:0016512.
Kabuki syndrome 1 (KABUK1). Also called: KMT2D-Related Kabuki Syndrome. Identifiers: Orphanet 2322, MedGen CN030661, MONDO:0007843, OMIM 147920.
KMT2D-related disorder. Also called: KMT2D-Related Disorders.

Allele frequency attached by ClinVar (database versions not stated): gnomAD 0.00001 and 0.00004; TOPMed 0.00002; gnomAD exomes 0.00003 and 0.00008; ExAC 0.00008; 1000 Genomes Project 0.00060; 1000 Genomes Project 30x 0.00062.
gnomAD v4.1: 58 of 1,613,832 alleles (0.0036%); highest among the groups gnomAD compares: South Asian, 0.046%; no homozygotes.

Submissions (5):

PreventionGenetics, part of Exact Sciences
Classification: Likely benign for KMT2D-related condition. Last evaluated: 2025-12-30. Review status: criteria provided, single submitter. Criteria: ACMG Guidelines, 2015. Collection method: clinical testing. Allele origin: germline.
Comment: This variant is classified as likely benign based on ACMG/AMP sequence variant interpretation guidelines (Richards et al. 2015 PMID: 25741868, with internal and published modifications).

Labcorp Genetics (formerly Invitae), Labcorp
Classification: Likely benign for Kabuki syndrome. Last evaluated: 2025-11-03. Review status: criteria provided, single submitter. Criteria: Invitae Variant Classification Sherloc (09022015). Collection method: clinical testing. Allele origin: germline.

Blueprint Genetics
Classification: Likely benign. Last evaluated: 2024-10-28. Review status: criteria provided, single submitter. Criteria: ACMG Guidelines, 2015. Collection method: clinical testing. Allele origin: germline.

GeneDx
Classification: Likely benign. Last evaluated: 2021-10-22. Review status: criteria provided, single submitter. Criteria: GeneDx Variant Classification Process June 2021. Collection method: clinical testing. Allele origin: germline. Affected: yes.
Comment: See Variant Classification Assertion Criteria.

Center for Human Genetics, Inc
Classification: Uncertain significance for Kabuki syndrome 1. Last evaluated: 2016-11-01. Review status: criteria provided, single submitter. Criteria: ACMG Guidelines, 2015. Collection method: clinical testing. Allele origin: germline. Affected: yes.

NM_003482.4(KMT2D):c.10467G>T (p.Gln3489His)

Gene: KMT2D (lysine methyltransferase 2D; minus strand). Cytogenetic location: 12q13.12.
Variant type: single nucleotide variant.
Coding change: c.10467G>T on transcript NM_003482.4 (MANE Select); coding-DNA position 10467, G replaced by T.
Protein change: p.Gln3489His; replaces glutamine 3489 with histidine.
Molecular consequence: missense variant.
Genome position (GRCh38, 1-based): chr12:49,034,450, C>A on the plus strand (G>T on the coding strand, the complement: KMT2D is on the minus strand). VCF-style: chr12-49034450-C-A. GRCh37 (hg19) VCF-style: chr12-49428233-C-A.
Other names: short protein forms Q3489H.
Identifiers: ClinVar variation 547467 (VCV000547467.15), dbSNP rs535351117, ClinGen allele CA6546497.